The following is an entry in ClinVar:

ClinVar aggregate classification (germline): Uncertain significance. Review status: criteria provided, multiple submitters, no conflicts (2 of 4 stars). 2 submissions from 2 submitters: Uncertain significance (2). Last evaluated 2024-01-19.

Conditions:
Hereditary cancer-predisposing syndrome. Also called: Neoplastic Syndromes, Hereditary; Tumor predisposition; Hereditary Cancer Syndrome; Hereditary neoplastic syndrome. Identifiers: Orphanet 140162, MedGen C0027672, MeSH D009386, MONDO:0015356.
Ataxia-telangiectasia syndrome (AT). Also called: LOUIS-BAR SYNDROME; Ataxia-telangiectasia, complementation group D; ATAXIA-TELANGIECTASIA, COMPLEMENTATION GROUP A; ATAXIA-TELANGIECTASIA, FRESNO VARIANT; Ataxia-telangiectasia; Ataxia telangiectasia (A-T). Identifiers: Orphanet 100, MedGen C0004135, MONDO:0008840, OMIM 208900.

Submissions (2):

Ambry Genetics
Classification: Uncertain significance for Hereditary cancer-predisposing syndrome. Last evaluated: 2024-01-19. Review status: criteria provided, single submitter. Criteria: Ambry Variant Classification Scheme 2023. Collection method: clinical testing. Allele origin: germline.
Comment: The p.N1223I variant (also known as c.3668A>T), located in coding exon 24 of the ATM gene, results from an A to T substitution at nucleotide position 3668. The asparagine at codon 1223 is replaced by isoleucine, an amino acid with dissimilar properties. This amino acid position is conserved. In addition, this alteration is predicted to be tolerated by in silico analysis. Based on the available evidence, the clinical significance of this alteration remains unclear.

Labcorp Genetics (formerly Invitae), Labcorp
Classification: Uncertain significance for Ataxia-telangiectasia syndrome. Last evaluated: 2023-01-17. Review status: criteria provided, single submitter. Criteria: Invitae Variant Classification Sherloc (09022015). Collection method: clinical testing. Allele origin: germline.
Comment: Algorithms developed to predict the effect of missense changes on protein structure and function (SIFT, PolyPhen-2, Align-GVGD) all suggest that this variant is likely to be tolerated. This variant has not been reported in the literature in individuals affected with ATM-related conditions. This variant is not present in population databases (gnomAD no frequency). This sequence change replaces asparagine, which is neutral and polar, with isoleucine, which is neutral and non-polar, at codon 1223 of the ATM protein (p.Asn1223Ile). In summary, the available evidence is currently insufficient to determine the role of this variant in disease. Therefore, it has been classified as a Variant of Uncertain Significance.

NM_000051.4(ATM):c.3668A>T (p.Asn1223Ile)

Gene: ATM (ATM serine/threonine kinase; plus strand). Cytogenetic location: 11q22.3.
Variant type: single nucleotide variant.
Coding change: c.3668A>T on transcript NM_000051.4 (MANE Select); coding-DNA position 3668, A replaced by T.
Protein change: p.Asn1223Ile; replaces asparagine 1223 with isoleucine.
Molecular consequence: missense variant.
Genome position (GRCh38, 1-based): chr11:108,282,801, A>T. VCF-style: chr11-108282801-A-T. GRCh37 (hg19) VCF-style: chr11-108153528-A-T.
Other names: c.3668A>T, p.Asn1223Ile (NM_001351834.2); short protein forms N1223I.
Identifiers: ClinVar variation 2829641 (VCV002829641.4), dbSNP rs2082301149, ClinGen allele CA382523149.